The following is an entry in ClinVar:

ClinVar aggregate classification (germline): Pathogenic. Review status: reviewed by expert panel (3 of 4 stars). 3 submissions from 3 submitters: Pathogenic (1). 2 of the submissions do not count toward it. Last evaluated 2023-10-12.

Conditions:
Deficiency of guanidinoacetate methyltransferase (CCDS2). Also called: Guanidinoacetate Methyltransferase (GAMT) Deficiency; GAMT DEFICIENCY; CEREBRAL CREATINE DEFICIENCY SYNDROME 2. Identifiers: Orphanet 382, MedGen C0574080, MONDO:0012999, OMIM 612736.

Allele frequency attached by ClinVar (database versions not stated): gnomAD 0.00001.

Submissions (3):

ClinGen Cerebral Creatine Deficiency Syndromes Variant Curation Expert Panel, ClinGen
Classification: Pathogenic for Deficiency of guanidinoacetate methyltransferase. Last evaluated: 2023-10-12. Review status: reviewed by expert panel. Criteria: ClinGen_CCDS_ACMG_Specifications_GAMT_v1.1. Collection method: curation. Allele origin: germline. Inheritance: Autosomal recessive inheritance.
Comment: The NM_000156.6: c.235C>T (p.Gln79Ter) variant in GAMT is a nonsense variant predicted to cause a premature stop codon in biologically relevant exon 2/6 leading to nonsense mediated decay in a gene in which loss-of-function is an established disease mechanism (PVS1). This variant has been detected in at least one patient with GAMT deficiency. This individual was homozygous for the variant (PMIDs 32606564) (PM3_Supporting). The patient reported with this variant had elevated GAA in plasma and significantly decreased creatine peak (PP4_Strong). This variant is absent in gnomAD v2.1.1 (PM2_Supporting). In summary, this variant meets the criteria to be classified as pathogenic for GAMT deficiency based on the ACMG/AMP criteria applied, as specified by the ClinGen Cerebral Creatine Deficiency Syndromes Variant Curation Expert Panel (Specifications Version 1.1.0): PVS1, PP4_Strong, PM3_Supporting, PM2_Supporting. (Classification approved by the ClinGen CCDS VCEP on Oct. 12, 2023)

3billion
Classification: Pathogenic for Deficiency of guanidinoacetate methyltransferase. Last evaluated: 2025-12-04. Review status: criteria provided, single submitter. Criteria: ACMG Guidelines, 2015. Collection method: clinical testing. Allele origin: germline. Affected: yes. Not counted in ClinVar's aggregate classification.
Comment: The variant is observed at an extremely low frequency in the gnomAD v4.1.0 dataset (total allele frequency: <0.001%). Predicted Consequence/Location: Stop-gained (nonsense): predicted to result in a loss or disruption of normal protein function through nonsense-mediated decay (NMD) or protein truncation. Multiple pathogenic variants are reported downstream of the variant. The variant has been reported multiple times as an established pathogenic variant (ClinVar ID: VCV002675837 /PMID: 32606564). Therefore, this variant is classified as Pathogenic according to the recommendation of ACMG/AMP guideline.

Baylor Genetics
Classification: Pathogenic for Deficiency of guanidinoacetate methyltransferase. Last evaluated: 2023-08-19. Review status: criteria provided, single submitter. Criteria: ACMG Guidelines, 2015. Collection method: clinical testing. Allele origin: unknown. Not counted in ClinVar's aggregate classification.

Literature cited by the submitters: PubMed 32606564 (cited by 3billion).

NM_000156.6(GAMT):c.235C>T (p.Gln79Ter)

Gene: GAMT (guanidinoacetate N-methyltransferase; minus strand). Cytogenetic location: 19p13.3.
Variant type: single nucleotide variant.
Coding change: c.235C>T on transcript NM_000156.6 (MANE Select); coding-DNA position 235, C replaced by T.
Protein change: p.Gln79Ter; replaces glutamine 79 with a stop codon.
Molecular consequence: nonsense.
Genome position (GRCh38, 1-based): chr19:1,399,885, G>A on the plus strand (C>T on the coding strand, the complement: GAMT is on the minus strand). VCF-style: chr19-1399885-G-A. GRCh37 (hg19) VCF-style: chr19-1399884-G-A.
Other names: NM_138924.3:c.235C>T; c.235C>T, p.Gln79Ter (NM_138924.3); short protein forms Q79*.
Identifiers: ClinVar variation 2675837 (VCV002675837.3), dbSNP rs2082623593, ClinGen allele CA402996840.